The following is an entry in ClinVar:

NM_006445.4(PRPF8):c.6245A>G (p.Asn2082Ser)

Gene: PRPF8 (pre-mRNA processing factor 8; minus strand). Cytogenetic location: 17p13.3.
Variant type: single nucleotide variant.
Coding change: c.6245A>G on transcript NM_006445.4 (MANE Select); coding-DNA position 6245, A replaced by G.
Protein change: p.Asn2082Ser; replaces asparagine 2082 with serine.
Molecular consequence: missense variant.
Genome position (GRCh38, 1-based): chr17:1,653,666, T>C on the plus strand (A>G on the coding strand, the complement: PRPF8 is on the minus strand). VCF-style: chr17-1653666-T-C. GRCh37 (hg19) VCF-style: chr17-1556960-T-C.
Other names: c.6245A>G (NM_006445.3); short protein forms N2082S.
Identifiers: ClinVar variation 3694274 (VCV003694274.3).

ClinVar aggregate classification (germline): Uncertain significance. Review status: criteria provided, multiple submitters, no conflicts (2 of 4 stars). 2 submissions from 2 submitters: Uncertain significance (2). Last evaluated 2025-08-08.

Conditions:
Inborn genetic diseases. Identifiers: MedGen C0950123, MeSH D030342.

gnomAD v4.1: 9 of 1,614,144 alleles (0.00056%); highest among the groups gnomAD compares: African/African-American, 0.0013%; no homozygotes.

Submissions (2):

Ambry Genetics
Classification: Uncertain significance for Inborn genetic diseases. Last evaluated: 2025-08-08. Review status: criteria provided, single submitter. Criteria: Ambry Variant Classification Scheme 2023. Collection method: clinical testing. Allele origin: germline.

Labcorp Genetics (formerly Invitae), Labcorp
Classification: Uncertain significance. Last evaluated: 2024-03-16. Review status: criteria provided, single submitter. Criteria: Invitae Variant Classification Sherloc (09022015). Collection method: clinical testing. Allele origin: germline.
Comment: This sequence change replaces asparagine, which is neutral and polar, with serine, which is neutral and polar, at codon 2082 of the PRPF8 protein (p.Asn2082Ser). This variant is present in population databases (rs546321997, gnomAD 0.007%). This variant has not been reported in the literature in individuals affected with PRPF8-related conditions. Advanced modeling of protein sequence and biophysical properties (such as structural, functional, and spatial information, amino acid conservation, physicochemical variation, residue mobility, and thermodynamic stability) performed at Invitae indicates that this missense variant is not expected to disrupt PRPF8 protein function with a negative predictive value of 80%. In summary, the available evidence is currently insufficient to determine the role of this variant in disease. Therefore, it has been classified as a Variant of Uncertain Significance.